The following is an entry in ClinVar:

ClinVar aggregate classification (germline): Uncertain significance. Review status: criteria provided, multiple submitters, no conflicts (2 of 4 stars). 2 submissions from 2 submitters: Uncertain significance (2). Last evaluated 2025-12-09.

Conditions:
Emery-Dreifuss muscular dystrophy 5, autosomal dominant (EDMD5). Also called: EMERY-DREIFUSS MUSCULAR DYSTROPHY 5. Identifiers: Orphanet 261, MedGen C2751805, MONDO:0013072, OMIM 612999.

gnomAD v4.1: 2 of 1,614,164 alleles (0.00012%); highest among the groups gnomAD compares: Admixed American, 0.0017%; no homozygotes.

Submissions (2):

Ambry Genetics
Classification: Uncertain significance. Last evaluated: 2025-12-09. Review status: criteria provided, single submitter. Criteria: Ambry Variant Classification Scheme 2023. Collection method: clinical testing. Allele origin: germline.

Labcorp Genetics (formerly Invitae), Labcorp
Classification: Uncertain significance for Emery-Dreifuss muscular dystrophy 5, autosomal dominant. Last evaluated: 2025-09-24. Review status: criteria provided, single submitter. Criteria: Invitae Variant Classification Sherloc (09022015). Collection method: clinical testing. Allele origin: germline.
Comment: This sequence change replaces asparagine, which is neutral and polar, with serine, which is neutral and polar, at codon 3810 of the SYNE2 protein (p.Asn3810Ser). This variant is present in population databases (rs772602777, gnomAD 0.003%). This variant has not been reported in the literature in individuals affected with SYNE2-related conditions. An algorithm developed to predict the effect of missense changes on protein structure and function outputs the following: PolyPhen-2: "Benign". The serine amino acid residue is found in multiple mammalian species, which suggests that this missense change does not adversely affect protein function. In summary, the available evidence is currently insufficient to determine the role of this variant in disease. Therefore, it has been classified as a Variant of Uncertain Significance.

NM_182914.3(SYNE2):c.11429A>G (p.Asn3810Ser)

Gene: SYNE2 (spectrin repeat containing nuclear envelope protein 2; plus strand). Cytogenetic location: 14q23.2.
Variant type: single nucleotide variant.
Coding change: c.11429A>G on transcript NM_182914.3 (MANE Select); coding-DNA position 11429, A replaced by G.
Protein change: p.Asn3810Ser; replaces asparagine 3810 with serine.
Molecular consequence: missense variant.
Genome position (GRCh38, 1-based): chr14:64,081,525, A>G. VCF-style: chr14-64081525-A-G. GRCh37 (hg19) VCF-style: chr14-64548243-A-G.
Other names: c.11429A>G, p.Asn3810Ser (NM_015180.6); short protein forms N3810S.
Identifiers: ClinVar variation 4591767 (VCV004591767.2).